The following is an entry in ClinVar:

ClinVar aggregate classification (germline): Uncertain significance (1 of 4 stars; one submission).

Submission:

CeGaT Center for Human Genetics Tuebingen
Classification: Uncertain significance. Last evaluated: 2024-03-01. Review status: criteria provided, single submitter. Criteria: CeGaT Center For Human Genetics Tuebingen Variant Classification Criteria Version 2. Collection method: clinical testing. Allele origin: germline. Affected: yes. Observed: 1 variant allele.
Comment: CACNA1H: PM2, BP4, BP7

NM_021098.3(CACNA1H):c.1977G>A (p.Lys659=)

Gene: CACNA1H (calcium voltage-gated channel subunit alpha1 H; plus strand). Cytogenetic location: 16p13.3.
Variant type: single nucleotide variant.
Coding change: c.1977G>A on transcript NM_021098.3 (MANE Select); coding-DNA position 1977, G replaced by A.
Protein change: p.Lys659=; no amino-acid change (lysine 659 retained).
Molecular consequence: synonymous variant.
Genome position (GRCh38, 1-based): chr16:1,202,427, G>A. VCF-style: chr16-1202427-G-A. GRCh37 (hg19) VCF-style: chr16-1252427-G-A.
Other names: c.1977G>A, p.Lys659= (NM_001005407.2).
Identifiers: ClinVar variation 3234507 (VCV003234507.20), dbSNP rs745947369, ClinGen allele CA7800062.
Genomic context (GRCh38, chr16:1,202,427, plus strand): 5'-ACCGCCAGGCACCGGGGGGCACGGCCCGTTGAGCTTGAACAGCCCTGATCCCTACGAGAA[G>A]ATCCCGCATGTGGTCGGGGAGCATGGTGAGGACCCAGCCCCACCCCACGGAGGAGGCGGT-3'
Protein context (NP_066921.2, residues 649-669): LSLNSPDPYE[Lys659=]IPHVVGEHGL